The following is an entry in ClinVar:

ClinVar aggregate classification (germline): Uncertain significance. Review status: criteria provided, multiple submitters, no conflicts (2 of 4 stars). 3 submissions from 3 submitters: Uncertain significance (3). Last evaluated 2025-11-03.

Allele frequency attached by ClinVar (database versions not stated): gnomAD exomes 0.00010; ExAC 0.00012; gnomAD 0.00013 and 0.00014; 1000 Genomes Project 30x 0.00016; 1000 Genomes Project 0.00020; TOPMed 0.00021; ESP Exome Variant Server 0.00008.
gnomAD v4.1: 166 of 1,614,218 alleles (0.01%); highest among the groups gnomAD compares: Admixed American, 0.037%; no homozygotes.

Submissions (3):

Ambry Genetics
Classification: Uncertain significance. Last evaluated: 2025-11-03. Review status: criteria provided, single submitter. Criteria: Ambry Variant Classification Scheme 2023. Collection method: clinical testing. Allele origin: germline.

Labcorp Genetics (formerly Invitae), Labcorp
Classification: Uncertain significance. Last evaluated: 2025-05-12. Review status: criteria provided, single submitter. Criteria: Invitae Variant Classification Sherloc (09022015). Collection method: clinical testing. Allele origin: germline.
Comment: This sequence change replaces glycine, which is neutral and non-polar, with glutamic acid, which is acidic and polar, at codon 738 of the DHX38 protein (p.Gly738Glu). This variant is present in population databases (rs149505110, gnomAD 0.03%). This variant has not been reported in the literature in individuals affected with DHX38-related conditions. ClinVar contains an entry for this variant (Variation ID: 943479). Invitae Evidence Modeling of protein sequence and biophysical properties (such as structural, functional, and spatial information, amino acid conservation, physicochemical variation, residue mobility, and thermodynamic stability) indicates that this missense variant is not expected to disrupt DHX38 protein function with a negative predictive value of 80%. In summary, the available evidence is currently insufficient to determine the role of this variant in disease. Therefore, it has been classified as a Variant of Uncertain Significance.

Blueprint Genetics
Classification: Uncertain significance. Last evaluated: 2024-03-12. Review status: criteria provided, single submitter. Criteria: ACMG Guidelines, 2015. Collection method: clinical testing. Allele origin: germline.

NM_014003.4(DHX38):c.2213G>A (p.Gly738Glu)

Gene: DHX38 (DEAH-box helicase 38; plus strand). Cytogenetic location: 16q22.2.
Variant type: single nucleotide variant.
Coding change: c.2213G>A on transcript NM_014003.4 (MANE Select); coding-DNA position 2213, G replaced by A.
Protein change: p.Gly738Glu; replaces glycine 738 with glutamic acid.
Molecular consequence: missense variant.
Genome position (GRCh38, 1-based): chr16:72,105,088, G>A. VCF-style: chr16-72105088-G-A. GRCh37 (hg19) VCF-style: chr16-72138987-G-A.
Other names: short protein forms G738E.
Identifiers: ClinVar variation 943479 (VCV000943479.10), dbSNP rs149505110, ClinGen allele CA8160567.